The following is an entry in ClinVar:

ClinVar aggregate classification (germline): Conflicting classifications of pathogenicity. Review status: criteria provided, conflicting classifications (1 of 4 stars). 2 submissions from 2 submitters: Uncertain significance (1); Likely benign (1). Last evaluated 2020-02-24.

Submissions (2):

Women's Health and Genetics/Laboratory Corporation of America, LabCorp
Classification: Uncertain significance. Last evaluated: 2020-02-24. Review status: criteria provided, single submitter. Criteria: LabCorp Variant Classification Summary - May 2015. Collection method: clinical testing. Allele origin: germline.
Comment: Variant summary: MAP2K2 c.919+10_919+12delinsAAG alters a nucleotide located close to a canonical splice site and therefore could affect mRNA splicing, leading to a significantly altered protein sequence. 4/4 computational tools predict no significant impact on normal splicing. However, these predictions have yet to be confirmed by functional studies. The variant was absent in 211110 control chromosomes (gnomAD). The available data on variant occurrences in the general population are insufficient to allow any conclusion about variant significance. To our knowledge, no occurrence of c.919+10_919+12delinsAAG in individuals affected with Noonan Syndrome and Related Conditions and no experimental evidence demonstrating its impact on protein function have been reported. A ClinVar submitter (evaluation after 2014) cites the variant as likely benign. Based on the evidence outlined above, the variant was classified as uncertain significance.

GeneDx
Classification: Likely benign. Last evaluated: 2016-01-29. Review status: criteria provided, single submitter. Criteria: GeneDx Variant Classification (06012015). Collection method: clinical testing. Allele origin: germline. Affected: yes.
Comment: This variant is considered likely benign or benign based on one or more of the following criteria: it is a conservative change, it occurs at a poorly conserved position in the protein, it is predicted to be benign by multiple in silico algorithms, and/or has population frequency not consistent with disease.

NM_030662.4(MAP2K2):c.919+10_919+12delinsAAG

Gene: MAP2K2 (mitogen-activated protein kinase kinase 2; minus strand). Cytogenetic location: 19p13.3.
Variant type: Indel.
Coding change: c.919+10_919+12delinsAAG on transcript NM_030662.4 (MANE Select); bases 10 to 12 of the intron after coding-DNA position 919, GAA replaced by AAG.
Molecular consequence: intron variant.
Genome position (GRCh38, 1-based): chr19:4,099,189-4,099,191, TTC replaced by CTT on the plus strand (GAA replaced by AAG on the coding strand, the reverse complement: MAP2K2 is on the minus strand). VCF-style: chr19-4099189-TTC-CTT. GRCh37 (hg19) VCF-style: chr19-4099187-TTC-CTT.
Other names: c.919+10_919+12delGAAinsAAG (NM_030662.3).
Identifiers: ClinVar variation 420458 (VCV000420458.2), dbSNP rs1064794489, ClinGen allele CA16620849.
Genomic context (GRCh38, chr19:4,099,189, plus strand): 5'-CTGACCCTGGCACAGCAGGCCCCGCGCAGGGCACTGCGCGTCCAGACCGGAAGTTGCAGA[TTC>CTT]AGGCCGTACCGCTGACGGGGCGCCCGGGGGGCCTCGGCCGAGGCGAGATGCTGTGAGGCT-3'